The following is an entry in ClinVar:

NM_006206.6(PDGFRA):c.2060A>G (p.His687Arg)

Gene: PDGFRA (platelet derived growth factor receptor alpha; plus strand). Cytogenetic location: 4q12.
Variant type: single nucleotide variant.
Coding change: c.2060A>G on transcript NM_006206.6 (MANE Select); coding-DNA position 2060, A replaced by G.
Protein change: p.His687Arg; replaces histidine 687 with arginine.
Molecular consequence: missense variant.
Genome position (GRCh38, 1-based): chr4:54,278,419, A>G. VCF-style: chr4-54278419-A-G. GRCh37 (hg19) VCF-style: chr4-55144586-A-G.
Other names: c.2060A>G, p.His687Arg (NM_001347827.2, NM_001347829.2); c.2135A>G, p.His712Arg (NM_001347828.2); c.2099A>G, p.His700Arg (NM_001347830.2); short protein forms H700R, H712R, H687R.
Identifiers: ClinVar variation 2163275 (VCV002163275.5), dbSNP rs1577731982, ClinGen allele CA356893951.
Genomic context (GRCh38, chr4:54,278,419, plus strand): 5'-TAGGCCCCATTTACATCATCACAGAGTATTGCTTCTATGGAGATTTGGTCAACTATTTGC[A>G]TAAGAATAGGGATAGCTTCCTGAGCCACCACCCAGAGAAGCCAAAGAAAGAGCTGGATAT-3'
Protein context (NP_006197.1, residues 677-697): CFYGDLVNYL[His687Arg]KNRDSFLSHH

ClinVar aggregate classification (germline): Uncertain significance. Review status: criteria provided, multiple submitters, no conflicts (2 of 4 stars). 2 submissions from 2 submitters: Uncertain significance (2). Last evaluated 2024-11-25.

Conditions:
Gastrointestinal stromal tumor. Also called: Gastrointestinal stroma tumor; Gastrointestinal stromal tumor, somatic. Identifiers: Orphanet 44890, MedGen C0238198, MeSH D046152, MONDO:0011719, OMIM 606764, HP:0100723.
Hereditary cancer-predisposing syndrome. Also called: Hereditary Cancer Syndrome; Hereditary neoplastic syndrome; Neoplastic Syndromes, Hereditary; Tumor predisposition. Identifiers: Orphanet 140162, MedGen C0027672, MeSH D009386, MONDO:0015356.

Submissions (2):

Ambry Genetics
Classification: Uncertain significance for Hereditary cancer-predisposing syndrome. Last evaluated: 2024-11-25. Review status: criteria provided, single submitter. Criteria: Ambry Variant Classification Scheme 2023. Collection method: clinical testing. Allele origin: germline.

Labcorp Genetics (formerly Invitae), Labcorp
Classification: Uncertain significance for Gastrointestinal stromal tumor. Last evaluated: 2024-01-11. Review status: criteria provided, single submitter. Criteria: Invitae Variant Classification Sherloc (09022015). Collection method: clinical testing. Allele origin: germline.
Comment: This sequence change replaces histidine, which is basic and polar, with arginine, which is basic and polar, at codon 687 of the PDGFRA protein (p.His687Arg). This variant is not present in population databases (gnomAD no frequency). This variant has not been reported in the literature in individuals affected with PDGFRA-related conditions. ClinVar contains an entry for this variant (Variation ID: 2163275). Advanced modeling of protein sequence and biophysical properties (such as structural, functional, and spatial information, amino acid conservation, physicochemical variation, residue mobility, and thermodynamic stability) performed at Invitae indicates that this missense variant is not expected to disrupt PDGFRA protein function with a negative predictive value of 80%. In summary, the available evidence is currently insufficient to determine the role of this variant in disease. Therefore, it has been classified as a Variant of Uncertain Significance.